The following continues an entry in ClinVar:

NM_000051.4(ATM):c.8264_8268del (p.Tyr2755fs)

ClinVar aggregate classification (germline): Pathogenic. Pathogenic (21).

Submissions 10 to 22 of 22:

Color Diagnostics, LLC DBA Color Health
Classification: Pathogenic for Hereditary cancer-predisposing syndrome. Last evaluated: 2023-11-06. Review status: criteria provided, single submitter. Criteria: ACMG Guidelines, 2015. Collection method: clinical testing. Allele origin: germline.
Comment: This variant deletes the last 5 nucleotides from exon 56 of the ATM gene. It is predicted to create a frameshift and premature translation stop signal (p.Tyr2755Cysfs*12) and to result in an absent or non-functional protein product. In addition, splice site prediction tools predict that this variant may have a significant impact on RNA splicing. An RNA study using carrier-derived RNA has reported that the variant leads to the skipping of exon 56 (also known as exon 58 in the literature) in the RNA transcript (PMID: 10980530). The aberrant transcript is predicted to result in an in-frame deletion of 39 amino acids (p.Gly2718_Lys2756del) and to disrupt the kinase domain of the ATM protein. A functional study has shown that this variant protein has no detectable kinase activity (PMID: 19431188). This variant has been reported in many individuals affected with ataxia telangiectasia (PMID: 9463314, 10980530, 12815592, 15039971, 21792198, 21965147). This variant has also been reported in individuals affected with breast cancer (PMID: 21445571, 26296701, 26681312). This variant has been identified in 3/282098 chromosomes in the general population by the Genome Aggregation Database (gnomAD). Loss of ATM function is a known mechanism of disease. Based on the available evidence, this variant is classified as Pathogenic.

Ambry Genetics
Classification: Pathogenic for Hereditary cancer-predisposing syndrome. Last evaluated: 2023-08-09. Review status: criteria provided, single submitter. Criteria: Ambry Variant Classification Scheme 2023. Collection method: clinical testing. Allele origin: germline.
Comment: The c.8264_8268delATAAG pathogenic mutation, located in coding exon 55 of the ATM gene, results from a deletion of 5 nucleotides between nucleotide positions 8264 and 8268, causing a translational frameshift with a predicted alternate stop codon (p.Y2755Cfs*12). This alteration removes the last base pair of coding exon 55, which makes it likely to have some effect on normal mRNA splicing. In silico splice site analysis predicts that this alteration will weaken the native splice donor site. RNA studies have demonstrated that this alteration results in abnormal splicing in the set of samples tested (Ambry internal data). This alteration has been reported in a compound heterozygous state in multiple individuals with classic ataxia-telangiectasia (A-T) of different ethnic origins including the following: British/Caucasian (Stankovic T et al. Am. J. Hum. Genet. 1998 Feb;62(2):334-45; Teraoka SN et al. Am. J. Hum. Genet. 1999 Jun; 64(6):1617-31; Barone G et al. Hum. Mutat. 2009 Aug;30(8):1222-30; Reiman A et al. Br. J. Cancer. 2011 Aug;105:586-91), Portuguese/Brazilian (Coutinho G et al. Am. J. Med. Genet. A 2004 Apr;126A(1):33-40; Demuth I et al. Neurogenetics. 2011 Nov;12:273-82), Norwegian (Laake K et al. Hum. Mutat. 2000 Sep;16(3):232-46), and Spanish (Mitui M et al. Hum. Mutat. 2003 Jul;22(1):43-50; Gra&ntilde;a B et al. Breast Cancer Res. Treat. 2011 Jul;128(2):573-9). As this alteration has been identified in a number of different haplotypes, some authors suggest that c.8264_8268delATAAG may be a recurring mutational event as opposed to a founder mutation. This alteration has also been reported in a cohort of women with invasive breast cancer (Ellingson MS et al. Breast Cancer Res. Treat. 2015 Sep;153:435-43) and in 1/10030 consecutive patients referred for evaluation by an NGS hereditary cancer panel (Susswein LR et al. Genet. Med. 2016 08;18:823-32). One publication suggests this alteration is associated with a 2-fold risk for developing breast cancer (Hollestelle A et al. Curr. Opin. Genet. Dev. 2010 Jun;20:268-76). Further, one study modeled this alteration to determine the stability and kinase activity of the resulting proteins and found that c.8264_8268delATAAG resulted in inactive kinase (Barone G et al. Hum. Mutat. 2009 Aug;30(8):1222-30). Based on the supporting evidence, this alteration is interpreted as a disease-causing mutation.

GeneDx
Classification: Pathogenic. Last evaluated: 2022-12-19. Review status: criteria provided, single submitter. Criteria: GeneDx Variant Classification Process June 2021. Collection method: clinical testing. Allele origin: germline. Affected: yes.
Comment: Predicted to result in protein truncation or nonsense mediated decay, either by frameshift or splice defect, in a gene for which loss-of-function is a known mechanism of disease (Laake et al., 2000; Tavtigian et al., 2009); Published functional studies demonstrate a damaging effect: loss of kinase activity (Barone et al., 2009); Observed with a pathogenic ATM variant in patients with ataxia telangiectasia (Stankovic et al., 1998; Mitui et al., 2003; Demuth et al., 2011; Carranza et al., 2017); Not observed at a significant frequency in large population cohorts (gnomAD); This variant is associated with the following publications: (PMID: 26681312, 35154108, 29922827, 21792198, 9463314, 21965147, 10980530, 10330348, 15039971, 19781682, 20346647, 28779002, 12815592, 26296701, 25793145, 21445571, 28170084, 33436325, 35245693, 35264596, 27664052, 19431188)

Dasa
Classification: Pathogenic for Ataxia-telangiectasia syndrome. Last evaluated: 2022-03-05. Review status: criteria provided, single submitter. Criteria: ACMG Guidelines, 2015. Collection method: clinical testing. Allele origin: germline. Affected: yes. Observed: 1 variant allele.
Comment: The c.8264_8268delATAAG;p.(Tyr2755Cysfs*12) is a null frameshift variant (NMD) in the ATM gene and predicts alteration of the nonsense-mediate decay - NMD is present in a relevant exon to the transcript - PVS1. Well-established in vitro or in vivo functional studies supportive of a damaging effect on the gene or gene product (PMID: 27664052) - PS3_supporting. This sequence change has been observed in affected individual(s) and ClinVar contains an entry for this variant (ClinVar ID: 181865; PMID: 27664052; PMID: 30197789; PMID: 26296701) - PS4. In summary, the currently available evidence indicates that the variant is pathogenic.

St. Jude Molecular Pathology, St. Jude Children's Research Hospital
Classification: Pathogenic for Ataxia-telangiectasia syndrome. Last evaluated: 2022-02-03. Review status: criteria provided, single submitter. Criteria: St. Jude Assertion Criteria 2020. Collection method: clinical testing. Allele origin: germline.
Comment: The ATM c.8264_8268del (p.Tyr2755CysfsTer12) change deletes five nucleotides and causes a frameshift and the creation of a premature stop codon. A functional study has shown that this variant has no detectable kinase activity (PVS1; PMID: 19431188). This variant is predicted to result in loss of the native splice donor site, and skipping of exon 56 has been confirmed by RNA studies (PMID: 10980530; internal data). This variant has a maximum frequency of 0.0056% in gnomAD v2.1.1, and is not reported in a database of women older than 70 years of age who have never had cancer (FLOSSIES database). This variant has been reported in individuals with ataxia telangiectasia and breast cancer (PS4; PMID: 9463314, 10980530, 12815592, 15039971, 21445571, 21792198, 21965147, 26296701, 26681312). In summary, this variant meets criteria to be classified as pathogenic based on the ACMG/AMP criteria: PVS1, PS4.

Department of Pathology and Laboratory Medicine, Sinai Health System
Classification: Pathogenic for ATM-related cancer predisposition. Last evaluated: 2020-12-15. Review status: criteria provided, single submitter. Criteria: ACMG Guidelines, 2015. Collection method: clinical testing. Allele origin: germline. Affected: yes.

Institute of Medical Genetics and Applied Genomics, University Hospital Tübingen
Classification: Pathogenic. Last evaluated: 2020-10-23. Review status: criteria provided, single submitter. Criteria: ACMG Guidelines, 2015. Collection method: clinical testing. Allele origin: germline. Inheritance: Autosomal unknown. Affected: yes.

Blueprint Genetics
Classification: Pathogenic for ATM-related disorders. Last evaluated: 2020-07-29. Review status: criteria provided, single submitter. Criteria: ACMG Guidelines, 2015. Collection method: clinical testing. Allele origin: germline. Affected: yes. Observed: 1 variant allele.

Mendelics
Classification: Pathogenic for Ataxia-telangiectasia syndrome. Last evaluated: 2018-07-02. Review status: criteria provided, single submitter. Criteria: Mendelics Assertion Criteria 2017. Collection method: clinical testing. Allele origin: unknown.

Center of Genomic medicine, Geneva, University Hospital of Geneva
Classification: Pathogenic for Ataxia-telangiectasia syndrome. Last evaluated: 2016-09-12. Review status: criteria provided, single submitter. Criteria: ACMG Guidelines, 2015. Collection method: clinical testing. Allele origin: maternal, paternal. Affected: yes.

Women's Health and Genetics/Laboratory Corporation of America, LabCorp
Classification: Pathogenic for Ataxia-telangiectasia syndrome. Last evaluated: 2015-11-25. Review status: criteria provided, single submitter. Criteria: LabCorp Variant Classification Summary - May 2015. Collection method: clinical testing. Allele origin: germline.
Comment: Variant summary: The variant is a deletion of five nucleotides spanning over the border of exon and intron 56. 5/5 in silico tools via Alamut predict this deletion to result in loss of splice donor site along with mutation taster predicting disease causing outcome. The variant was observed in the large and broad cohorts of the ExAC project at an allele frequency of 0.00084% which does not exceed the maximal expected allele frequency of a disease causing ATM allele (0.4%). It was reported in AT patients in compound heterozygosity with potentially pathogenic ATM variants and was also observed in breast cancer patients in a heterozygous form indicating the variant to be pathogenic for both AT and breast cancer. Additionally, clinical diagnostic laboratories classify variant as Pathogenic via ClinVar (without evidence to independently evaluate). Considering all evidence, the variant is classified as pathogenic.

Center for Individualized Medicine, Mayo Clinic
Classification: Pathogenic for Ataxia-telangiectasia syndrome. Last evaluated: 2014-01-01. Review status: criteria provided, single submitter. Criteria: ACMG Guidelines, 2007. Collection method: research. Allele origin: germline. Affected: no. Study: Breast Cancer Genome Guided Therapy Study (BEAUTY).

Counsyl
Classification: Pathogenic for Ataxia-telangiectasia syndrome. Last evaluated: 2017-08-02. Review status: no assertion criteria provided. Collection method: clinical testing. Allele origin: unknown. Not counted in ClinVar's aggregate classification.

Literature cited by the submitters: PubMed 1098053 (cited by Labcorp Genetics (formerly Invitae), Labcorp); PubMed 9463314 (cited by 8 submitters); PubMed 12815592 (cited by 7 submitters); PubMed 21445571 (cited by 7 submitters); PubMed 21965147 (cited by 4 submitters); PubMed 26296701 (cited by 8 submitters); PubMed 26681312 (cited by 5 submitters); PubMed 19431188 (cited by 6 submitters); PubMed 35264596 (cited by Center for Genomic Medicine, Rigshospitalet, Copenhagen University Hospital and Quest Diagnostics Nichols Institute San Juan Capistrano); PubMed 37436117 (cited by Center for Genomic Medicine, Rigshospitalet, Copenhagen University Hospital); PubMed 29922827 (cited by Center for Genomic Medicine, Rigshospitalet, Copenhagen University Hospital and Quest Diagnostics Nichols Institute San Juan Capistrano); PubMed 38917355 (cited by Center for Genomic Medicine, Rigshospitalet, Copenhagen University Hospital); PubMed 27664052 (cited by 4 submitters); PubMed 33471991 (cited by Quest Diagnostics Nichols Institute San Juan Capistrano); PubMed 34887416 (cited by Quest Diagnostics Nichols Institute San Juan Capistrano); PubMed 34567246 (cited by Quest Diagnostics Nichols Institute San Juan Capistrano); PubMed 35245693 (cited by Quest Diagnostics Nichols Institute San Juan Capistrano); PubMed 35154108 (cited by Quest Diagnostics Nichols Institute San Juan Capistrano); PubMed 33436325 (cited by Quest Diagnostics Nichols Institute San Juan Capistrano); PubMed 10330348 (cited by 3 submitters); PubMed 10980530 (cited by 5 submitters); PubMed 15039971 (cited by 6 submitters); PubMed 20346647 (cited by Quest Diagnostics Nichols Institute San Juan Capistrano and Ambry Genetics); PubMed 21792198 (cited by 3 submitters); PubMed 25793145 (cited by Quest Diagnostics Nichols Institute San Juan Capistrano and Women's Health and Genetics/Laboratory Corporation of America, LabCorp); PubMed 19781682 (cited by Quest Diagnostics Nichols Institute San Juan Capistrano); PubMed 28170084 (cited by Quest Diagnostics Nichols Institute San Juan Capistrano); PubMed 21665257 (cited by Quest Diagnostics Nichols Institute San Juan Capistrano); PubMed 30197789 (cited by Dasa); PubMed 21732128 (cited by Department of Pathology and Laboratory Medicine, Sinai Health System).